The following is an entry in ClinVar:

ClinVar aggregate classification (germline): Pathogenic (1 of 4 stars; one submission).

Conditions:
Kabuki syndrome. Also called: Kabuki make-up syndrome; NIIKAWA-KUROKI SYNDROME. Identifiers: Orphanet 2322, MedGen C0796004, MONDO:0016512.

Submission:

Labcorp Genetics (formerly Invitae), Labcorp
Classification: Pathogenic for Kabuki syndrome. Last evaluated: 2018-08-08. Review status: criteria provided, single submitter. Criteria: Invitae Variant Classification Sherloc (09022015). Collection method: clinical testing. Allele origin: germline.
Comment: This sequence change creates a premature translational stop signal (p.Ser609Profs*321) in the KMT2D gene. It is expected to result in an absent or disrupted protein product. This variant is not present in population databases (ExAC no frequency). This variant has not been reported in the literature in individuals with KMT2D-related disease. Loss-of-function variants in KMT2D are known to be pathogenic (PMID: 22126750). For these reasons, this variant has been classified as Pathogenic.

Literature cited by the submitters: PubMed 22126750.

NM_003482.4(KMT2D):c.1825del (p.Ser609fs)

Gene: KMT2D (lysine methyltransferase 2D; minus strand). Cytogenetic location: 12q13.12.
Variant type: Deletion.
Coding change: c.1825del on transcript NM_003482.4 (MANE Select); coding-DNA position 1825, one base deleted (T; older notation c.1825delT).
Protein change: p.Ser609fs; shifts the reading frame from serine 609.
Molecular consequence: frameshift variant.
Genome position (GRCh38, 1-based): chr12:49,051,858, A deleted on the plus strand (T on the coding strand, the reverse complement: KMT2D is on the minus strand). VCF-style (leftmost placement, unchanged base first): chr12-49051857-GA-G. GRCh37 (hg19) VCF-style: chr12-49445640-GA-G.
Other names: c.1825delT (NM_003482.3); short protein forms S609fs.
Identifiers: ClinVar variation 651533 (VCV000651533.7), dbSNP rs1592156633, ClinGen allele CA915948536.
Genomic context (GRCh38, chr12:49,051,857, plus strand): 5'-GGTGGGGACAGGCGTGATGCCTCAGGTGGTGGGGAAAGGGGAGACTCCTCAGGTGGAGGG[GA>G]CAGAGGAGACTCTTCAAATGGTGGGAACAGACGAGATGCCTCCGGTGGTGGAGACATGGG-3'